The following is an entry in ClinVar:

NM_012210.4(TRIM32):c.1729T>C (p.Cys577Arg)

Genes: ASTN2 (astrotactin 2; minus strand), TRIM32 (tripartite motif containing 32; plus strand). Cytogenetic location: 9q33.1.
Variant type: single nucleotide variant.
Coding change: c.1729T>C on transcript NM_012210.4 (MANE Select); coding-DNA position 1729, T replaced by C.
Protein change: p.Cys577Arg; replaces cysteine 577 with arginine.
Molecular consequence: missense variant. On other transcripts: intron variant (3).
Genome position (GRCh38, 1-based): chr9:116,699,471, T>C. VCF-style: chr9-116699471-T-C. GRCh37 (hg19) VCF-style: chr9-119461750-T-C.
Other names: c.1729T>C, p.Cys577Arg (NM_001099679.2, NM_001379048.1, NM_001379049.1 and 1 more transcripts); c.2653+26300A>G (NM_014010.5); c.2794+26300A>G (NM_001365069.1); c.2806+26300A>G (NM_001365068.1); short protein forms C577R.
Identifiers: ClinVar variation 2107283 (VCV002107283.4), dbSNP rs2491069455, ClinGen allele CA374652317.

ClinVar aggregate classification (germline): Uncertain significance (1 of 4 stars; one submission).

Conditions:
Bardet-Biedl syndrome (BBS). Identifiers: Orphanet 110, MedGen C0752166, MONDO:0015229.

Allele frequency attached by ClinVar (database versions not stated): gnomAD exomes below 0.00001.
gnomAD v4.1: 1 of 1,614,216 alleles (0.000062%); highest among the groups gnomAD compares: Non-Finnish European, 0.000085%; no homozygotes.

Submission:

Labcorp Genetics (formerly Invitae), Labcorp
Classification: Uncertain significance for Bardet-Biedl syndrome. Last evaluated: 2022-07-25. Review status: criteria provided, single submitter. Criteria: Invitae Variant Classification Sherloc (09022015). Collection method: clinical testing. Allele origin: germline.
Comment: This sequence change replaces cysteine, which is neutral and slightly polar, with arginine, which is basic and polar, at codon 577 of the TRIM32 protein (p.Cys577Arg). This variant is not present in population databases (gnomAD no frequency). This variant has not been reported in the literature in individuals affected with TRIM32-related conditions. Algorithms developed to predict the effect of missense changes on protein structure and function (SIFT, PolyPhen-2, Align-GVGD) all suggest that this variant is likely to be disruptive. In summary, the available evidence is currently insufficient to determine the role of this variant in disease. Therefore, it has been classified as a Variant of Uncertain Significance.